The following is an entry in ClinVar:

ClinVar aggregate classification (germline): Uncertain significance (1 of 4 stars; one submission).

Conditions:
Chédiak-Higashi syndrome (CHS). Also called: Chediak-Higashi Syndrome. Identifiers: Orphanet 167, MedGen C0007965, MONDO:0008963, OMIM 214500.

Allele frequency attached by ClinVar (database versions not stated): gnomAD exomes below 0.00001; TOPMed below 0.00001.
gnomAD v4.1: 1 of 1,613,864 alleles (0.000062%); no homozygotes.

Submission:

Labcorp Genetics (formerly Invitae), Labcorp
Classification: Uncertain significance for Chédiak-Higashi syndrome. Last evaluated: 2022-02-24. Review status: criteria provided, single submitter. Criteria: Invitae Variant Classification Sherloc (09022015). Collection method: clinical testing. Allele origin: germline.
Comment: This variant is not present in population databases (gnomAD no frequency). In summary, the available evidence is currently insufficient to determine the role of this variant in disease. Therefore, it has been classified as a Variant of Uncertain Significance. Algorithms developed to predict the effect of missense changes on protein structure and function are either unavailable or do not agree on the potential impact of this missense change (SIFT: "Deleterious"; PolyPhen-2: "Probably Damaging"; Align-GVGD: "Class C0"). This variant has not been reported in the literature in individuals affected with LYST-related conditions. This sequence change replaces glutamic acid, which is acidic and polar, with valine, which is neutral and non-polar, at codon 384 of the LYST protein (p.Glu384Val).

NM_000081.4(LYST):c.1151A>T (p.Glu384Val)

Gene: LYST (lysosomal trafficking regulator; minus strand). Cytogenetic location: 1q42.3.
Variant type: single nucleotide variant.
Coding change: c.1151A>T on transcript NM_000081.4 (MANE Select); coding-DNA position 1151, A replaced by T.
Protein change: p.Glu384Val; replaces glutamic acid 384 with valine.
Molecular consequence: missense variant.
Genome position (GRCh38, 1-based): chr1:235,809,667, T>A on the plus strand (A>T on the coding strand, the complement: LYST is on the minus strand). VCF-style: chr1-235809667-T-A. GRCh37 (hg19) VCF-style: chr1-235972967-T-A.
Other names: c.1151A>T, p.Glu384Val (NM_001301365.1); short protein forms E384V.
Identifiers: ClinVar variation 2102983 (VCV002102983.4), dbSNP rs1673241695, ClinGen allele CA344963053.